The following is an entry in ClinVar:

ClinVar aggregate classification (germline): Benign. Review status: criteria provided, multiple submitters, no conflicts (2 of 4 stars). 3 submissions from 3 submitters: Benign (2). 1 of the submissions does not count toward it. Last evaluated 2019-12-31.

Conditions:
SEMA6B-related disorder. Also called: SEMA6B-related condition.

Allele frequency attached by ClinVar (database versions not stated): gnomAD exomes 0.00146 and 0.00068; 1000 Genomes Project 0.01957; gnomAD 0.02001 and 0.02153; TOPMed 0.02272; ExAC 0.00343; ESP Exome Variant Server 0.00820; 1000 Genomes Project 30x 0.02280.
gnomAD v4.1: 5,011 of 1,437,022 alleles (0.35%); highest among the groups gnomAD compares: African/African-American, 6.7%; 144 homozygotes.

Submissions (3):

Labcorp Genetics (formerly Invitae), Labcorp
Classification: Benign. Last evaluated: 2019-12-31. Review status: criteria provided, single submitter. Criteria: Invitae Variant Classification Sherloc (09022015). Collection method: clinical testing. Allele origin: germline.

Breakthrough Genomics
Classification: Benign. Review status: criteria provided, single submitter. Criteria: ACMG Guidelines, 2015. Collection method: not provided. Allele origin: germline. Inheritance: Autosomal dominant inheritance. Affected: yes.

PreventionGenetics, part of Exact Sciences
Classification: Benign for SEMA6B-related condition. Last evaluated: 2022-12-20. Review status: no assertion criteria provided. Collection method: clinical testing. Allele origin: germline. Not counted in ClinVar's aggregate classification.
Comment: This variant is classified as benign based on ACMG/AMP sequence variant interpretation guidelines (Richards et al. 2015 PMID: 25741868, with internal and published modifications).

NM_032108.4(SEMA6B):c.1979A>C (p.Gln660Pro)

Gene: SEMA6B (semaphorin 6B; minus strand). Cytogenetic location: 19p13.3.
Variant type: single nucleotide variant.
Coding change: c.1979A>C on transcript NM_032108.4 (MANE Select); coding-DNA position 1979, A replaced by C.
Protein change: p.Gln660Pro; replaces glutamine 660 with proline.
Molecular consequence: missense variant.
Genome position (GRCh38, 1-based): chr19:4,544,289, T>G on the plus strand (A>C on the coding strand, the complement: SEMA6B is on the minus strand). VCF-style: chr19-4544289-T-G. GRCh37 (hg19) VCF-style: chr19-4544301-T-G.
Other names: short protein forms Q660P.
Identifiers: ClinVar variation 781379 (VCV000781379.7), dbSNP rs371352629, ClinGen allele CA9102273.